The following is an entry in ClinVar:

NM_004260.4(RECQL4):c.64del (p.Arg22fs)

Genes: RECQL4 (RecQ like helicase 4; minus strand), LOC130001411 (ATAC-STARR-seq lymphoblastoid silent region 19699; plus strand). Cytogenetic location: 8q24.3.
Variant type: Deletion.
Coding change: c.64del on transcript NM_004260.4 (MANE Select); coding-DNA position 64, one base deleted (C; older notation c.64delC).
Protein change: p.Arg22fs; shifts the reading frame from arginine 22.
Molecular consequence: frameshift variant.
Genome position (GRCh38, 1-based): chr8:144,517,721, G deleted on the plus strand (C on the coding strand, the reverse complement: RECQL4 is on the minus strand). VCF-style (leftmost placement, unchanged base first): chr8-144517720-CG-C. GRCh37 (hg19) VCF-style: chr8-145743104-CG-C.
Other names: c.64delC, p.Arg22Alafs (NM_001413017.1, NM_001413018.1, NM_001413019.1 and 6 more transcripts); c.-722delC (NM_001413021.1); c.-1073delC (NM_001413022.1, NM_001413023.1, NM_001413037.1 and 2 more transcripts); c.-970delC (NM_001413024.1); c.-1070delC (NM_001413027.1); c.-798delC (NM_001413028.1); c.-1135delC (NM_001413030.1, NM_001413031.1, NM_001413041.1); c.-967delC (NM_001413032.1); and 4 more; short protein forms R22fs.
Identifiers: ClinVar variation 2194583 (VCV002194583.4), dbSNP rs2538133063, ClinGen allele CA2580078826.

ClinVar aggregate classification (germline): Pathogenic (1 of 4 stars; one submission).

Conditions:
Baller-Gerold syndrome (BGS). Also called: CRANIOSYNOSTOSIS WITH RADIAL DEFECTS. Identifiers: Orphanet 1225, MedGen C0265308, MONDO:0009039, OMIM 218600.

Allele frequency attached by ClinVar (database versions not stated): gnomAD exomes below 0.00001.

Submission:

Labcorp Genetics (formerly Invitae), Labcorp
Classification: Pathogenic for Baller-Gerold syndrome. Last evaluated: 2022-08-27. Review status: criteria provided, single submitter. Criteria: Invitae Variant Classification Sherloc (09022015). Collection method: clinical testing. Allele origin: germline.
Comment: For these reasons, this variant has been classified as Pathogenic. This variant has not been reported in the literature in individuals affected with RECQL4-related conditions. This variant is not present in population databases (gnomAD no frequency). This sequence change creates a premature translational stop signal (p.Arg22Alafs*27) in the RECQL4 gene. It is expected to result in an absent or disrupted protein product. Loss-of-function variants in RECQL4 are known to be pathogenic (PMID: 12734318, 12952869).

Literature cited by the submitters: PubMed 12734318; PubMed 12952869.